The following is an entry in ClinVar:

ClinVar aggregate classification (germline): Likely pathogenic (1 of 4 stars; one submission).

Conditions:
Hereditary predisposition to infections. Identifiers: Orphanet 183710, MedGen C5680530, MONDO:0015979.

Submission:

Molecular Genetics, Royal Melbourne Hospital
Classification: Likely pathogenic for Hereditary predisposition to infections. Last evaluated: 2023-08-01. Review status: criteria provided, single submitter. Criteria: ACMG Guidelines, 2015. Collection method: clinical testing. Allele origin: germline. Inheritance: Semidominant inheritance. Affected: yes.
Comment: This sequence change in IFIH1 is a nonsense variant predicted to cause a premature stop codon, p.(Gln562*), in biologically relevant exon 9/16 leading to nonsense-mediated decay in a gene in which loss-of-function is an established disease mechanism (PMID: 16625202, 28716935, 29018476, 34185153). This variant is absent from the population database gnomAD v2.1 and v3.1. To our knowledge, this variant is novel and has not been previously reported in the relevant scientific literature or databases. Based on the classification scheme RMH Modified ACMG/AMP Guidelines v1.6.1, this variant is classified as LIKELY PATHOGENIC. Following criteria are met: PVS1, PM2_Supporting.

Literature cited by the submitters: PubMed 16625202; PubMed 28716935; PubMed 29018476; PubMed 34185153.

NM_022168.4(IFIH1):c.1684C>T (p.Gln562Ter)

Gene: IFIH1 (interferon induced with helicase C domain 1; minus strand). Cytogenetic location: 2q24.2.
Variant type: single nucleotide variant.
Coding change: c.1684C>T on transcript NM_022168.4 (MANE Select); coding-DNA position 1684, C replaced by T.
Protein change: p.Gln562Ter; replaces glutamine 562 with a stop codon.
Molecular consequence: nonsense.
Genome position (GRCh38, 1-based): chr2:162,278,286, G>A on the plus strand (C>T on the coding strand, the complement: IFIH1 is on the minus strand). VCF-style: chr2-162278286-G-A. GRCh37 (hg19) VCF-style: chr2-163134796-G-A.
Other names: short protein forms Q562*.
Identifiers: ClinVar variation 3068689 (VCV003068689.1), dbSNP rs2468960714, ClinGen allele CA349000226.